The following is an entry in ClinVar:

ClinVar aggregate classification (germline): Uncertain significance (1 of 4 stars; one submission).

Allele frequency attached by ClinVar (database versions not stated): gnomAD 0.00001; gnomAD exomes 0.00001; TOPMed 0.00001.
gnomAD v4.1: 6 of 1,613,874 alleles (0.00037%); highest among the groups gnomAD compares: Admixed American, 0.0017%; no homozygotes.

Submission:

Labcorp Genetics (formerly Invitae), Labcorp
Classification: Uncertain significance. Last evaluated: 2022-04-13. Review status: criteria provided, single submitter. Criteria: Invitae Variant Classification Sherloc (09022015). Collection method: clinical testing. Allele origin: germline.
Comment: This sequence change replaces aspartic acid, which is acidic and polar, with asparagine, which is neutral and polar, at codon 524 of the SLC4A11 protein (p.Asp524Asn). This variant is present in population databases (no rsID available, gnomAD 0.003%). This variant has not been reported in the literature in individuals affected with SLC4A11-related conditions. Algorithms developed to predict the effect of missense changes on protein structure and function (SIFT, PolyPhen-2, Align-GVGD) all suggest that this variant is likely to be tolerated. In summary, the available evidence is currently insufficient to determine the role of this variant in disease. Therefore, it has been classified as a Variant of Uncertain Significance.

NM_001174089.2(SLC4A11):c.1522G>A (p.Asp508Asn)

Gene: SLC4A11 (solute carrier family 4 member 11; minus strand). Cytogenetic location: 20p13.
Variant type: single nucleotide variant.
Coding change: c.1522G>A on transcript NM_001174089.2 (MANE Select); coding-DNA position 1522, G replaced by A.
Protein change: p.Asp508Asn; replaces aspartic acid 508 with asparagine.
Molecular consequence: missense variant. On other transcripts: non-coding transcript variant (2).
Genome position (GRCh38, 1-based): chr20:3,229,744, C>T on the plus strand (G>A on the coding strand, the complement: SLC4A11 is on the minus strand). VCF-style: chr20-3229744-C-T. GRCh37 (hg19) VCF-style: chr20-3210390-C-T.
Other names: c.1651G>A, p.Asp551Asn (NM_001174090.2); c.1408G>A, p.Asp470Asn (NM_001363745.2); c.1465G>A, p.Asp489Asn (NM_001400277.1, NM_001400278.1, NM_001400279.1); c.1537G>A, p.Asp513Asn (NM_001400280.1); c.1570G>A, p.Asp524Asn (NM_032034.4); short protein forms D513N, D489N, D524N, D470N, D551N, D508N.
Identifiers: ClinVar variation 1981571 (VCV001981571.1), dbSNP rs1316919724, ClinGen allele CA408088267.
Genomic context (GRCh38, chr20:3,229,744, plus strand): 5'-GGCTGGCGCCGAGGCCTGACAGGCTGACAAGGGATGAAGTCCTTTTTGTGTGATAGTCGT[C>T]CAAGTAATGCCCATAGTAGTACTTCCAGAAGACTGTGGACACACACCCACAGGCCTCAGC-3'
Protein context (NP_001167560.1, residues 498-518): FWKYYYGHYL[Asp508Asn]DYHTKRTSSL